The following is an entry in ClinVar:

ClinVar aggregate classification (germline): Uncertain significance (1 of 4 stars; one submission).

Conditions:
Brugada syndrome. Also called: Sudden unexpected nocturnal death syndrome; Sudden Unexplained Death Syndrome; Sudden Unexplained Nocturnal Death Syndrome (SUNDS); Sudden unexplained nocturnal death syndrome. Identifiers: Orphanet 130, MedGen C1142166, MONDO:0015263.

gnomAD v4.1: 1 of 1,602,626 alleles (0.000062%); highest among the groups gnomAD compares: Non-Finnish European, 0.000085%; no homozygotes.

Submission:

Labcorp Genetics (formerly Invitae), Labcorp
Classification: Uncertain significance for Brugada syndrome. Last evaluated: 2025-02-26. Review status: criteria provided, single submitter. Criteria: Invitae Variant Classification Sherloc (09022015). Collection method: clinical testing. Allele origin: germline.
Comment: This sequence change replaces isoleucine, which is neutral and non-polar, with threonine, which is neutral and polar, at codon 1551 of the SCN10A protein (p.Ile1551Thr). This variant is not present in population databases (gnomAD no frequency). This variant has not been reported in the literature in individuals affected with SCN10A-related conditions. Invitae Evidence Modeling of protein sequence and biophysical properties (such as structural, functional, and spatial information, amino acid conservation, physicochemical variation, residue mobility, and thermodynamic stability) indicates that this missense variant is expected to disrupt SCN10A protein function with a positive predictive value of 80%. In summary, the available evidence is currently insufficient to determine the role of this variant in disease. Therefore, it has been classified as a Variant of Uncertain Significance.

NM_006514.4(SCN10A):c.4652T>C (p.Ile1551Thr)

Gene: SCN10A (sodium voltage-gated channel alpha subunit 10; minus strand). Cytogenetic location: 3p22.2.
Variant type: single nucleotide variant.
Coding change: c.4652T>C on transcript NM_006514.4 (MANE Select); coding-DNA position 4652, T replaced by C.
Protein change: p.Ile1551Thr; replaces isoleucine 1551 with threonine.
Molecular consequence: missense variant.
Genome position (GRCh38, 1-based): chr3:38,701,844, A>G on the plus strand (T>C on the coding strand, the complement: SCN10A is on the minus strand). VCF-style: chr3-38701844-A-G. GRCh37 (hg19) VCF-style: chr3-38743335-A-G.
Other names: c.4649T>C, p.Ile1550Thr (NM_001293306.2); c.4358T>C, p.Ile1453Thr (NM_001293307.2); short protein forms I1551T, I1453T, I1550T.
Identifiers: ClinVar variation 4767881 (VCV004767881.1).